The following is an entry in ClinVar:

NM_133259.4(LRPPRC):c.999A>G (p.Arg333=)

Gene: LRPPRC (leucine rich pentatricopeptide repeat containing; minus strand). Cytogenetic location: 2p21.
Variant type: single nucleotide variant.
Coding change: c.999A>G on transcript NM_133259.4 (MANE Select); coding-DNA position 999, A replaced by G.
Protein change: p.Arg333=; no amino-acid change (arginine 333 retained).
Molecular consequence: synonymous variant.
Genome position (GRCh38, 1-based): chr2:43,974,624, T>C on the plus strand (A>G on the coding strand, the complement: LRPPRC is on the minus strand). VCF-style: chr2-43974624-T-C. GRCh37 (hg19) VCF-style: chr2-44201763-T-C.
Identifiers: ClinVar variation 2571888 (VCV002571888.1), dbSNP rs2466665249, ClinGen allele CA425909869.

ClinVar aggregate classification (germline): Uncertain significance (1 of 4 stars; one submission).

Allele frequency attached by ClinVar (database versions not stated): gnomAD exomes below 0.00001.
gnomAD v4.1: 1 of 1,584,852 alleles (0.000063%); highest among the groups gnomAD compares: Non-Finnish European, 0.000087%; no homozygotes.

Submission:

GeneDx
Classification: Uncertain significance. Last evaluated: 2023-01-05. Review status: criteria provided, single submitter. Criteria: GeneDx Variant Classification Process June 2021. Collection method: clinical testing. Allele origin: germline. Affected: yes.
Comment: Not observed at significant frequency in large population cohorts (gnomAD); In silico analysis supports a deleterious effect on splicing; Has not been previously published as pathogenic or benign to our knowledge